The following is an entry in ClinVar:

NM_001330260.2(SCN8A):c.120C>T (p.Ala40=)

Genes: SCN8A (sodium voltage-gated channel alpha subunit 8; plus strand), LOC114803470 (SCN8A eExon liver enhancer; plus strand). Cytogenetic location: 12q13.13.
Variant type: single nucleotide variant.
Coding change: c.120C>T on transcript NM_001330260.2 (MANE Select); coding-DNA position 120, C replaced by T.
Protein change: p.Ala40=; no amino-acid change (alanine 40 retained).
Molecular consequence: synonymous variant.
Genome position (GRCh38, 1-based): chr12:51,662,937, C>T. VCF-style: chr12-51662937-C-T. GRCh37 (hg19) VCF-style: chr12-52056721-C-T.
Other names: p.Ala40=; c.120C>T, p.Ala40= (NM_001177984.3, NM_001369788.1, NM_014191.4).
Identifiers: ClinVar variation 378552 (VCV000378552.42), dbSNP rs145881860, ClinGen allele CA6570996.

ClinVar aggregate classification (germline): Likely benign. Review status: criteria provided, multiple submitters, no conflicts (2 of 4 stars). 6 submissions from 6 submitters: Likely benign (5). 1 of the submissions does not count toward it. Last evaluated 2026-04-01.

Conditions:
Early-infantile DEE. Also called: Ohtahara syndrome; Early infantile epileptic encephalopathy with suppression bursts; Early infantile epileptic encephalopathy. Identifiers: Orphanet 1934, MedGen C0393706, MONDO:0800491.
SCN8A-related disorder.

Allele frequency attached by ClinVar (database versions not stated): 1000 Genomes Project 0.00040; gnomAD 0.00001 and 0.00004; gnomAD exomes 0.00004 and 0.00005; TOPMed 0.00005; ExAC 0.00008; 1000 Genomes Project 30x 0.00031.
gnomAD v4.1: 60 of 1,614,004 alleles (0.0037%); highest among the groups gnomAD compares: Middle Eastern, 0.016%; 1 homozygote.

Submissions (6):

CeGaT Center for Human Genetics Tuebingen
Classification: Likely benign. Last evaluated: 2026-04-01. Review status: criteria provided, single submitter. Criteria: CeGaT Center For Human Genetics Tuebingen Variant Classification Criteria Version 2. Collection method: clinical testing. Allele origin: germline. Affected: yes. Observed: 4 variant alleles.
Comment: SCN8A: BP4, BP7

Labcorp Genetics (formerly Invitae), Labcorp
Classification: Likely benign for Early-infantile DEE. Last evaluated: 2025-12-02. Review status: criteria provided, single submitter. Criteria: Invitae Variant Classification Sherloc (09022015). Collection method: clinical testing. Allele origin: germline.

Mayo Clinic Laboratories, Mayo Clinic
Classification: Likely benign. Last evaluated: 2025-08-13. Review status: criteria provided, single submitter. Criteria: ACMG Guidelines, 2015. Collection method: clinical testing. Allele origin: germline. Observed: 1 variant allele.
Comment: BP4, BP7

Blueprint Genetics
Classification: Likely benign. Last evaluated: 2024-10-02. Review status: criteria provided, single submitter. Criteria: ACMG Guidelines, 2015. Collection method: clinical testing. Allele origin: germline.

GeneDx
Classification: Likely benign. Last evaluated: 2021-05-18. Review status: criteria provided, single submitter. Criteria: GeneDx Variant Classification Process June 2021. Collection method: clinical testing. Allele origin: germline. Affected: yes.

PreventionGenetics, part of Exact Sciences
Classification: Likely benign for SCN8A-related condition. Last evaluated: 2019-06-25. Review status: no assertion criteria provided. Collection method: clinical testing. Allele origin: germline. Not counted in ClinVar's aggregate classification.
Comment: This variant is classified as likely benign based on ACMG/AMP sequence variant interpretation guidelines (Richards et al. 2015 PMID: 25741868, with internal and published modifications).